The following is an entry in ClinVar:

NM_024642.5(GALNT12):c.95G>A (p.Gly32Glu)

Genes: GALNT12 (polypeptide N-acetylgalactosaminyltransferase 12; plus strand), LOC130002222 (ATAC-STARR-seq lymphoblastoid silent region 20123; plus strand). Cytogenetic location: 9q22.33.
Variant type: single nucleotide variant.
Coding change: c.95G>A on transcript NM_024642.5 (MANE Select); coding-DNA position 95, G replaced by A.
Protein change: p.Gly32Glu; replaces glycine 32 with glutamic acid.
Molecular consequence: missense variant.
Genome position (GRCh38, 1-based): chr9:98,807,793, G>A. VCF-style: chr9-98807793-G-A. GRCh37 (hg19) VCF-style: chr9-101570075-G-A.
Other names: short protein forms G32E.
Identifiers: ClinVar variation 2451783 (VCV002451783.3), dbSNP rs1445032491, ClinGen allele CA374222253.

ClinVar aggregate classification (germline): Uncertain significance. Review status: criteria provided, multiple submitters, no conflicts (2 of 4 stars). 2 submissions from 2 submitters: Uncertain significance (2). Last evaluated 2025-01-06.

Conditions:
Colorectal cancer, susceptibility to, 1. Also called: COLORECTAL ADENOMA AND CANCER, SUSCEPTIBILITY TO; COLORECTAL CANCER, SUSCEPTIBILITY TO, ON CHROMOSOME 9. Identifiers: MedGen C1837315, MONDO:0012132, OMIM 608812.

Allele frequency attached by ClinVar (database versions not stated): TOPMed below 0.00001.

Submissions (2):

Department of Pathology and Laboratory Medicine, Sinai Health System
Classification: Uncertain significance for Colorectal cancer, susceptibility to, 1. Last evaluated: 2025-01-06. Review status: criteria provided, single submitter. Criteria: ACMG Guidelines, 2015. Collection method: clinical testing. Allele origin: germline.

Ambry Genetics
Classification: Uncertain significance. Last evaluated: 2023-02-05. Review status: criteria provided, single submitter. Criteria: Ambry Variant Classification Scheme 2023. Collection method: clinical testing. Allele origin: germline.
Comment: The p.G32E variant (also known as c.95G>A), located in coding exon 1 of the GALNT12 gene, results from a G to A substitution at nucleotide position 95. The glycine at codon 32 is replaced by glutamic acid, an amino acid with similar properties. This amino acid position is conserved. In addition, this alteration is predicted to be tolerated by in silico analysis. Since supporting evidence is limited at this time, the clinical significance of this alteration remains unclear.